The following is an entry in ClinVar:

NM_182914.3(SYNE2):c.10262G>A (p.Arg3421Gln)

Gene: SYNE2 (spectrin repeat containing nuclear envelope protein 2; plus strand). Cytogenetic location: 14q23.2.
Variant type: single nucleotide variant.
Coding change: c.10262G>A on transcript NM_182914.3 (MANE Select); coding-DNA position 10262, G replaced by A.
Protein change: p.Arg3421Gln; replaces arginine 3421 with glutamine.
Molecular consequence: missense variant.
Genome position (GRCh38, 1-based): chr14:64,065,481, G>A. VCF-style: chr14-64065481-G-A. GRCh37 (hg19) VCF-style: chr14-64532199-G-A.
Other names: c.10262G>A, p.Arg3421Gln (NM_015180.6); short protein forms R3421Q.
Identifiers: ClinVar variation 2994063 (VCV002994063.3), dbSNP rs1203023377, ClinGen allele CA389991009.

ClinVar aggregate classification (germline): Uncertain significance (1 of 4 stars; one submission).

Conditions:
Emery-Dreifuss muscular dystrophy 5, autosomal dominant (EDMD5). Also called: EMERY-DREIFUSS MUSCULAR DYSTROPHY 5. Identifiers: Orphanet 261, MedGen C2751805, MONDO:0013072, OMIM 612999.

Allele frequency attached by ClinVar (database versions not stated): gnomAD exomes below 0.00001; TOPMed below 0.00001.
gnomAD v4.1: 7 of 1,614,038 alleles (0.00043%); highest among the groups gnomAD compares: South Asian, 0.0033%; no homozygotes.

Submission:

Labcorp Genetics (formerly Invitae), Labcorp
Classification: Uncertain significance for Emery-Dreifuss muscular dystrophy 5, autosomal dominant. Last evaluated: 2023-05-22. Review status: criteria provided, single submitter. Criteria: Invitae Variant Classification Sherloc (09022015). Collection method: clinical testing. Allele origin: germline.
Comment: This variant has not been reported in the literature in individuals affected with SYNE2-related conditions. An algorithm developed to predict the effect of missense changes on protein structure and function (PolyPhen-2) suggests that this variant is likely to be disruptive. In summary, the available evidence is currently insufficient to determine the role of this variant in disease. Therefore, it has been classified as a Variant of Uncertain Significance. The frequency data for this variant in the population databases is considered unreliable, as metrics indicate poor data quality at this position in the gnomAD database. This sequence change replaces arginine, which is basic and polar, with glutamine, which is neutral and polar, at codon 3421 of the SYNE2 protein (p.Arg3421Gln).